The following is an entry in ClinVar:

NM_005076.5(CNTN2):c.2923G>A (p.Glu975Lys)

Genes: CNTN2 (contactin 2; plus strand), LOC126805985 (MED14-independent group 3 enhancer GRCh37_chr1:205041546-205042745; plus strand). Cytogenetic location: 1q32.1.
Variant type: single nucleotide variant.
Coding change: c.2923G>A on transcript NM_005076.5 (MANE Select); coding-DNA position 2923, G replaced by A.
Protein change: p.Glu975Lys; replaces glutamic acid 975 with lysine.
Molecular consequence: missense variant. On other transcripts: non-coding transcript variant (1).
Genome position (GRCh38, 1-based): chr1:205,073,146, G>A. VCF-style: chr1-205073146-G-A. GRCh37 (hg19) VCF-style: chr1-205042274-G-A.
Other names: c.2923G>A, p.Glu975Lys (NM_001346083.2); short protein forms E975K.
Identifiers: ClinVar variation 946764 (VCV000946764.7), dbSNP rs1654681238, ClinGen allele CA344383295.

ClinVar aggregate classification (germline): Uncertain significance (1 of 4 stars; one submission).

Conditions:
Epilepsy, familial adult myoclonic, 5 (EPEO5). Also called: CORTICAL MYOCLONIC TREMOR WITH EPILEPSY, FAMILIAL, 5. Identifiers: Orphanet 86814, MedGen C3809374, MONDO:0014167, OMIM 615400.

Allele frequency attached by ClinVar (database versions not stated): gnomAD exomes below 0.00001.
gnomAD v4.1: 1 of 1,614,182 alleles (0.000062%); highest among the groups gnomAD compares: Non-Finnish European, 0.000085%; no homozygotes.

Submission:

Labcorp Genetics (formerly Invitae), Labcorp
Classification: Uncertain significance for Epilepsy, familial adult myoclonic, 5. Last evaluated: 2021-08-31. Review status: criteria provided, single submitter. Criteria: Invitae Variant Classification Sherloc (09022015). Collection method: clinical testing. Allele origin: germline.
Comment: This sequence change replaces glutamic acid with lysine at codon 975 of the CNTN2 protein (p.Glu975Lys). The glutamic acid residue is highly conserved and there is a small physicochemical difference between glutamic acid and lysine. This variant is not present in population databases (ExAC no frequency). This variant has not been reported in the literature in individuals affected with CNTN2-related conditions. Algorithms developed to predict the effect of missense changes on protein structure and function are either unavailable or do not agree on the potential impact of this missense change (SIFT: "Deleterious"; PolyPhen-2: "Benign"; Align-GVGD: "Class C55"). In summary, the available evidence is currently insufficient to determine the role of this variant in disease. Therefore, it has been classified as a Variant of Uncertain Significance.